The following is an entry in ClinVar:

ClinVar aggregate classification (germline): Conflicting classifications of pathogenicity. Review status: criteria provided, conflicting classifications (1 of 4 stars). 4 submissions from 4 submitters: Uncertain significance (1); Benign (1); Likely benign (1). 1 of the submissions does not count toward it. Last evaluated 2025-12-26.

Conditions:
CHARGE syndrome (CHARGE). Also called: Coloboma, heart anomaly, choanal atresia, retardation, genital and ear anomalies; CHARGE association; Hall-Hittner syndrome; Hittner Hirsch Kreh syndrome; CHARGE ASSOCIATION--COLOBOMA, HEART ANOMALY, CHOANAL ATRESIA, RETARDATION, GENITAL AND EAR ANOMALIES. Identifiers: Orphanet 138, MedGen C0265354, MONDO:0008965.
CHD7-related disorder. Also called: CHD7-related condition.
Hypogonadotropic hypogonadism 5 with or without anosmia (KAL5). Also called: HYPOGONADOTROPIC HYPOGONADISM 5 WITH ANOSMIA; HYPOGONADOTROPHIC HYPOGONADISM 5 WITHOUT ANOSMIA; CHD7-Related GnRH Deficiency (Kallmann Syndrome 5). Identifiers: Orphanet 478, MedGen C3552553, MONDO:0012880, OMIM 612370. Disease mechanism: loss of function.

Allele frequency attached by ClinVar (database versions not stated): ExAC 0.00003; gnomAD exomes 0.00004 and 0.00005; TOPMed 0.00004; gnomAD 0.00005; ESP Exome Variant Server 0.00008; 1000 Genomes Project 30x 0.00016; 1000 Genomes Project 0.00020.
gnomAD v4.1: 61 of 1,613,740 alleles (0.0038%); highest among the groups gnomAD compares: African/African-American, 0.0053%; no homozygotes.

Submissions (4):

Labcorp Genetics (formerly Invitae), Labcorp
Classification: Benign for CHARGE syndrome. Last evaluated: 2025-12-26. Review status: criteria provided, single submitter. Criteria: Invitae Variant Classification Sherloc (09022015). Collection method: clinical testing. Allele origin: germline.

Fulgent Genetics
Classification: Uncertain significance for CHD7-related CHARGE syndrome; Hypogonadotropic hypogonadism 5 with or without anosmia. Last evaluated: 2024-03-07. Review status: criteria provided, single submitter. Criteria: ACMG Guidelines, 2015. Collection method: clinical testing. Allele origin: germline.

GeneDx
Classification: Likely benign. Last evaluated: 2021-03-10. Review status: criteria provided, single submitter. Criteria: GeneDx Variant Classification Process June 2021. Collection method: clinical testing. Allele origin: germline. Affected: yes.
Comment: See Variant Classification Assertion Criteria.

PreventionGenetics, part of Exact Sciences
Classification: Uncertain significance for CHD7-related condition. Last evaluated: 2024-04-14. Review status: no assertion criteria provided. Collection method: clinical testing. Allele origin: germline. Not counted in ClinVar's aggregate classification.
Comment: The CHD7 c.1562C>T variant is predicted to result in the amino acid substitution p.Pro521Leu. This variant was reported in one individual with neurodevelopmental disorder (Table S11. Stessman et al. 2017. PubMed ID: 28191889). This variant is reported in 0.011% of alleles in individuals of Latino descent in gnomAD, which is more common than other known or suspected pathogenic variants in CHD7. Although we suspect that this variant may be benign, at this time, the clinical significance of this variant is uncertain due to the absence of conclusive functional and genetic evidence.

NM_017780.4(CHD7):c.1562C>T (p.Pro521Leu)

Gene: CHD7 (chromodomain helicase DNA binding protein 7; plus strand). Cytogenetic location: 8q12.2.
Variant type: single nucleotide variant.
Coding change: c.1562C>T on transcript NM_017780.4 (MANE Select); coding-DNA position 1562, C replaced by T.
Protein change: p.Pro521Leu; replaces proline 521 with leucine.
Molecular consequence: missense variant.
Genome position (GRCh38, 1-based): chr8:60,742,994, C>T. VCF-style: chr8-60742994-C-T. GRCh37 (hg19) VCF-style: chr8-61655553-C-T.
Other names: c.1562C>T (NM_017780.3); c.1562C>T, p.Pro521Leu (NM_001316690.1); short protein forms P521L.
Identifiers: ClinVar variation 1493051 (VCV001493051.12), dbSNP rs373211059, ClinGen allele CA4759514.